The following is an entry in ClinVar:

ClinVar aggregate classification (germline): Uncertain significance (1 of 4 stars; one submission).

Conditions:
Cardiovascular phenotype. Identifiers: MedGen CN230736.

Allele frequency attached by ClinVar (database versions not stated): TOPMed below 0.00001.

Submission:

Ambry Genetics
Classification: Uncertain significance for Cardiovascular phenotype. Last evaluated: 2023-09-22. Review status: criteria provided, single submitter. Criteria: Ambry Variant Classification Scheme 2023. Collection method: clinical testing. Allele origin: germline.
Comment: The p.R759W variant (also known as c.2275A>T), located in coding exon 1 of the ZNF469 gene, results from an A to T substitution at nucleotide position 2275. The arginine at codon 759 is replaced by tryptophan, an amino acid with dissimilar properties. This amino acid position is conserved. In addition, this alteration is predicted to be tolerated by in silico analysis. Since supporting evidence is limited at this time, the clinical significance of this alteration remains unclear.

NM_001367624.2(ZNF469):c.2275A>T (p.Arg759Trp)

Gene: ZNF469 (zinc finger protein 469; plus strand). Cytogenetic location: 16q24.2.
Variant type: single nucleotide variant.
Coding change: c.2275A>T on transcript NM_001367624.2 (MANE Select); coding-DNA position 2275, A replaced by T.
Protein change: p.Arg759Trp; replaces arginine 759 with tryptophan.
Molecular consequence: missense variant.
Genome position (GRCh38, 1-based): chr16:88,429,745, A>T. VCF-style: chr16-88429745-A-T. GRCh37 (hg19) VCF-style: chr16-88496153-A-T.
Other names: NM_001127464.1:c.2275A>T; short protein forms R759W.
Identifiers: ClinVar variation 3232771 (VCV003232771.1), dbSNP rs1312134927, ClinGen allele CA397071022.
Genomic context (GRCh38, chr16:88,429,745, plus strand): 5'-AACTACAGCAGCCTGGCGGCCTTCCTGGCCCACCGGCAGTTCTGTGGCCTGCTCCTGGCC[A>T]GGGCCAAGGATGGCCACCAGCGGTCTCCAGGCCCCCCTGGGCTCCCCTCGCCCCCCGCTG-3'
Protein context (NP_001354553.1, residues 749-769): HRQFCGLLLA[Arg759Trp]AKDGHQRSPG